The following is an entry in ClinVar:

NM_004453.4(ETFDH):c.1436G>C (p.Arg479Thr)

Gene: ETFDH (electron transfer flavoprotein dehydrogenase; plus strand). Cytogenetic location: 4q32.1.
Variant type: single nucleotide variant.
Coding change: c.1436G>C on transcript NM_004453.4 (MANE Select); coding-DNA position 1436, G replaced by C.
Protein change: p.Arg479Thr; replaces arginine 479 with threonine.
Molecular consequence: missense variant.
Genome position (GRCh38, 1-based): chr4:158,706,339, G>C. VCF-style: chr4-158706339-G-C. GRCh37 (hg19) VCF-style: chr4-159627491-G-C.
Other names: c.1295G>C, p.Arg432Thr (NM_001281737.2); c.1253G>C, p.Arg418Thr (NM_001281738.1); short protein forms R418T, R432T, R479T.
Identifiers: ClinVar variation 969452 (VCV000969452.10), dbSNP rs1774615246, ClinGen allele CA358564577.
Genomic context (GRCh38, chr4:158,706,339, plus strand): 5'-ACGGAGTACTGGGTGTATATGGAGGGATGATTTACACTGGAATCTTTTACTGGATATTGA[G>C]AGGAATGGAGCCGTGGACTCTGAAACATAAAGGTAATTCAAACAAGAGTATGAGTGACAT-3'
Protein context (NP_004444.2, residues 469-489): IYTGIFYWIL[Arg479Thr]GMEPWTLKHK

ClinVar aggregate classification (germline): Uncertain significance (1 of 4 stars; one submission).

Conditions:
Multiple acyl-CoA dehydrogenase deficiency (MADD). Also called: Glutaric aciduria, type 2; ETHYLMALONIC-ADIPICACIDURIA; GA II; Glutaric Acidemia type 2; Glutaric acidemia type II; GA 2. Identifiers: Orphanet 26791, MedGen C0268596, MONDO:0009282, OMIM 231680.

Submission:

Labcorp Genetics (formerly Invitae), Labcorp
Classification: Uncertain significance for Multiple acyl-CoA dehydrogenase deficiency. Last evaluated: 2024-02-23. Review status: criteria provided, single submitter. Criteria: Invitae Variant Classification Sherloc (09022015). Collection method: clinical testing. Allele origin: germline.
Comment: This sequence change replaces arginine, which is basic and polar, with threonine, which is neutral and polar, at codon 479 of the ETFDH protein (p.Arg479Thr). This variant is not present in population databases (gnomAD no frequency). This missense change has been observed in individual(s) with MAD deficiency (PMID: 19758981). ClinVar contains an entry for this variant (Variation ID: 969452). Advanced modeling of protein sequence and biophysical properties (such as structural, functional, and spatial information, amino acid conservation, physicochemical variation, residue mobility, and thermodynamic stability) performed at Invitae indicates that this missense variant is not expected to disrupt ETFDH protein function with a negative predictive value of 80%. In summary, the available evidence is currently insufficient to determine the role of this variant in disease. Therefore, it has been classified as a Variant of Uncertain Significance.

Literature cited by the submitters: PubMed 19758981.